The following is an entry in ClinVar:

ClinVar aggregate classification (germline): Uncertain significance. Review status: criteria provided, multiple submitters, no conflicts (2 of 4 stars). 2 submissions from 2 submitters: Uncertain significance (2). Last evaluated 2025-08-20.

Conditions:
Cowden syndrome (CS). Also called: Cowden's disease; Cowden's syndrome; Cowden disease. Identifiers: Orphanet 201, MedGen C0018553, MONDO:0016063. Disease mechanism: gain of function.
Inborn genetic diseases. Identifiers: MedGen C0950123, MeSH D030342.

Submissions (2):

Ambry Genetics
Classification: Uncertain significance for Inborn genetic diseases. Last evaluated: 2025-08-20. Review status: criteria provided, single submitter. Criteria: Ambry Variant Classification Scheme 2023. Collection method: clinical testing. Allele origin: germline.
Comment: The p.S514R variant (also known as c.1540A>C) is located in coding exon 9 of the PIK3CA gene. The serine at codon 514 is replaced by arginine, an amino acid with dissimilar properties. This change occurs in the first base pair of coding exon 9. This amino acid position is conserved. In addition, this alteration is predicted to be deleterious by in silico analysis. Based on the available evidence, the clinical significance of this variant remains unclear.

Labcorp Genetics (formerly Invitae), Labcorp
Classification: Uncertain significance for Cowden syndrome. Last evaluated: 2021-09-12. Review status: criteria provided, single submitter. Criteria: Invitae Variant Classification Sherloc (09022015). Collection method: clinical testing. Allele origin: germline.
Comment: This sequence change replaces serine with arginine at codon 514 of the PIK3CA protein (p.Ser514Arg). The serine residue is highly conserved and there is a moderate physicochemical difference between serine and arginine. This variant is not present in population databases (ExAC no frequency). This variant has not been reported in the literature in individuals affected with PIK3CA-related conditions. Algorithms developed to predict the effect of missense changes on protein structure and function are either unavailable or do not agree on the potential impact of this missense change (SIFT: "Deleterious"; PolyPhen-2: "Benign"; Align-GVGD: "Class C15"). In summary, the available evidence is currently insufficient to determine the role of this variant in disease. Therefore, it has been classified as a Variant of Uncertain Significance.

NM_006218.4(PIK3CA):c.1540A>C (p.Ser514Arg)

Gene: PIK3CA (phosphatidylinositol-4,5-bisphosphate 3-kinase catalytic subunit alpha; plus strand). Cytogenetic location: 3q26.32.
Variant type: single nucleotide variant.
Coding change: c.1540A>C on transcript NM_006218.4 (MANE Select); coding-DNA position 1540, A replaced by C.
Protein change: p.Ser514Arg; replaces serine 514 with arginine.
Molecular consequence: missense variant.
Genome position (GRCh38, 1-based): chr3:179,218,210, A>C. VCF-style: chr3-179218210-A-C. GRCh37 (hg19) VCF-style: chr3-178935998-A-C.
Other names: c.1540A>C (NM_006218.2); short protein forms S514R.
Identifiers: ClinVar variation 1420012 (VCV001420012.9), dbSNP rs2108407898, ClinGen allele CA355264434.